The following is an entry in ClinVar:

ClinVar aggregate classification (germline): Uncertain significance (1 of 4 stars; one submission).

Conditions:
Early-infantile DEE. Also called: Ohtahara syndrome; Early infantile epileptic encephalopathy with suppression bursts; Early infantile epileptic encephalopathy. Identifiers: Orphanet 1934, MedGen C0393706, MONDO:0800491.

Allele frequency attached by ClinVar (database versions not stated): ExAC 0.00001.
gnomAD v4.1: 1 of 1,612,608 alleles (0.000062%); highest among the groups gnomAD compares: Admixed American, 0.0017%; no homozygotes.

Submission:

Labcorp Genetics (formerly Invitae), Labcorp
Classification: Uncertain significance for Early-infantile DEE. Last evaluated: 2023-11-15. Review status: criteria provided, single submitter. Criteria: Invitae Variant Classification Sherloc (09022015). Collection method: clinical testing. Allele origin: germline.
Comment: This sequence change replaces glutamic acid, which is acidic and polar, with lysine, which is basic and polar, at codon 125 of the HCN1 protein (p.Glu125Lys). This variant is present in population databases (rs764078270, gnomAD 0.003%). This variant has not been reported in the literature in individuals affected with HCN1-related conditions. Advanced modeling of protein sequence and biophysical properties (such as structural, functional, and spatial information, amino acid conservation, physicochemical variation, residue mobility, and thermodynamic stability) performed at Invitae indicates that this missense variant is not expected to disrupt HCN1 protein function with a negative predictive value of 80%. In summary, the available evidence is currently insufficient to determine the role of this variant in disease. Therefore, it has been classified as a Variant of Uncertain Significance.

NM_021072.4(HCN1):c.373G>A (p.Glu125Lys)

Gene: HCN1 (hyperpolarization activated cyclic nucleotide gated potassium channel 1; minus strand). Cytogenetic location: 5p12.
Variant type: single nucleotide variant.
Coding change: c.373G>A on transcript NM_021072.4 (MANE Select); coding-DNA position 373, G replaced by A.
Protein change: p.Glu125Lys; replaces glutamic acid 125 with lysine.
Molecular consequence: missense variant.
Genome position (GRCh38, 1-based): chr5:45,695,721, C>T on the plus strand (G>A on the coding strand, the complement: HCN1 is on the minus strand). VCF-style: chr5-45695721-C-T. GRCh37 (hg19) VCF-style: chr5-45695823-C-T.
Other names: short protein forms E125K.
Identifiers: ClinVar variation 2696113 (VCV002696113.3), dbSNP rs764078270, ClinGen allele CA3259465.